The following is an entry in ClinVar:

NM_145207.3(AFG2A):c.1290G>A (p.Glu430=)

Gene: AFG2A (AAA ATPase AFG2A; plus strand). Cytogenetic location: 4q28.1.
Variant type: single nucleotide variant.
Coding change: c.1290G>A on transcript NM_145207.3 (MANE Select); coding-DNA position 1290, G replaced by A.
Protein change: p.Glu430=; no amino-acid change (glutamic acid 430 retained).
Molecular consequence: synonymous variant.
Genome position (GRCh38, 1-based): chr4:122,936,112, G>A. VCF-style: chr4-122936112-G-A. GRCh37 (hg19) VCF-style: chr4-123857267-G-A.
Other names: c.1287G>A, p.Glu429= (NM_001345856.2, NM_001317799.2); c.1290G>A (NM_145207.2).
Identifiers: ClinVar variation 1087764 (VCV001087764.8), dbSNP rs1729067022, ClinGen allele CA441204212.

ClinVar aggregate classification (germline): Likely benign. Review status: criteria provided, multiple submitters, no conflicts (2 of 4 stars). 3 submissions from 3 submitters: Likely benign (3). Last evaluated 2025-10-10.

Conditions:
AFG2A-related disorder. Also called: AFG2A-related condition.
Microcephaly-intellectual disability-sensorineural hearing loss-epilepsy-abnormal muscle tone syndrome (NEDHSB). Also called: NEURODEVELOPMENTAL DISORDER WITH HEARING LOSS, SEIZURES, AND BRAIN ABNORMALITIES. Identifiers: Orphanet 457351, MedGen C4225276, MONDO:0014698, OMIM 616577.

Allele frequency attached by ClinVar (database versions not stated): gnomAD exomes below 0.00001; TOPMed below 0.00001.
gnomAD v4.1: 3 of 1,603,824 alleles (0.00019%); highest among the groups gnomAD compares: Non-Finnish European, 0.00026%; no homozygotes.

Submissions (3):

PreventionGenetics, part of Exact Sciences
Classification: Likely benign for AFG2A-related condition. Last evaluated: 2025-10-10. Review status: criteria provided, single submitter. Criteria: ACMG Guidelines, 2015. Collection method: clinical testing. Allele origin: germline.
Comment: This variant is classified as likely benign based on ACMG/AMP sequence variant interpretation guidelines (Richards et al. 2015 PMID: 25741868, with internal and published modifications).

Blueprint Genetics
Classification: Likely benign. Last evaluated: 2023-10-05. Review status: criteria provided, single submitter. Criteria: ACMG Guidelines, 2015. Collection method: clinical testing. Allele origin: germline.

Labcorp Genetics (formerly Invitae), Labcorp
Classification: Likely benign for Microcephaly-intellectual disability-sensorineural hearing loss-epilepsy-abnormal muscle tone syndrome. Last evaluated: 2022-07-11. Review status: criteria provided, single submitter. Criteria: Invitae Variant Classification Sherloc (09022015). Collection method: clinical testing. Allele origin: germline.